The following is an entry in ClinVar:

ClinVar aggregate classification (germline): Likely pathogenic (1 of 4 stars; one submission).

Conditions:
Werner syndrome (WRN). Identifiers: Orphanet 902, MedGen C0043119, MONDO:0010196, OMIM 277700.

Submission:

Juno Genomics, Hangzhou Juno Genomics, Inc
Classification: Likely pathogenic for Werner syndrome. Review status: criteria provided, single submitter. Criteria: ACMG Guidelines, 2015. Collection method: clinical testing. Allele origin: germline.
Comment: Absent from controls (or at extremely low frequency if recessive) in Genome Aggregation Database.;Null variant in a gene where loss of function (LOF) is a known mechanism of disease.

NM_000553.6(WRN):c.724+2T>C

Gene: WRN (WRN RecQ like helicase; plus strand). Cytogenetic location: 8p12.
Variant type: single nucleotide variant.
Coding change: c.724+2T>C on transcript NM_000553.6 (MANE Select); the canonical splice donor site of the intron after coding-DNA position 724, T replaced by C.
Molecular consequence: splice donor variant.
Genome position (GRCh38, 1-based): chr8:31,068,329, T>C. VCF-style: chr8-31068329-T-C. GRCh37 (hg19) VCF-style: chr8-30925845-T-C.
Identifiers: ClinVar variation 5019028 (VCV005019028.2).